The following is an entry in ClinVar:

ClinVar aggregate classification (germline): Likely pathogenic (1 of 4 stars; one submission).

gnomAD v4.1: 2 of 1,562,218 alleles (0.00013%); highest among the groups gnomAD compares: South Asian, 0.0012%; no homozygotes.

Submission:

Labcorp Genetics (formerly Invitae), Labcorp
Classification: Likely pathogenic. Last evaluated: 2025-08-15. Review status: criteria provided, single submitter. Criteria: Invitae Variant Classification Sherloc (09022015). Collection method: clinical testing. Allele origin: germline.
Comment: This sequence change affects a donor splice site in intron 9 of the IFNAR1 gene. It is expected to disrupt RNA splicing. Variants that disrupt the donor or acceptor splice site typically lead to a loss of protein function (PMID: 16199547), and loss-of-function variants in IFNAR1 are known to be pathogenic (PMID: 31270247, 32960813). This variant is not present in population databases (gnomAD no frequency). This variant has not been reported in the literature in individuals affected with IFNAR1-related conditions. ClinVar contains an entry for this variant (Variation ID: 1514288). Algorithms developed to predict the effect of sequence changes on RNA splicing suggest that this variant may disrupt the consensus splice site. In summary, the currently available evidence indicates that the variant is pathogenic, but additional data are needed to prove that conclusively. Therefore, this variant has been classified as Likely Pathogenic.

Literature cited by the submitters: PubMed 16199547; PubMed 31270247; PubMed 32960813.

NM_000629.3(IFNAR1):c.1294+1G>A

Gene: IFNAR1 (interferon alpha and beta receptor subunit 1; plus strand). Cytogenetic location: 21q22.11.
Variant type: single nucleotide variant.
Coding change: c.1294+1G>A on transcript NM_000629.3 (MANE Select); the canonical splice donor site of the intron after coding-DNA position 1294, G replaced by A.
Molecular consequence: splice donor variant.
Genome position (GRCh38, 1-based): chr21:33,352,909, G>A. VCF-style: chr21-33352909-G-A. GRCh37 (hg19) VCF-style: chr21-34725215-G-A.
Other names: c.1087+1G>A (NM_001384504.1); c.532+1G>A (NM_001384500.1); c.1294+1G>A (NM_001384498.1, NM_001384503.1, NM_001384499.1); c.1279+1G>A (NM_001384501.1); c.832+1G>A (NM_001384502.1).
Identifiers: ClinVar variation 1514288 (VCV001514288.8), dbSNP rs1180199400, ClinGen allele CA410110113.
Genomic context (GRCh38, chr21:33,352,909, plus strand): 5'-ATGAAAAGCTGAATAAAAGCAGTGTTTTTAGTGACGCTGTATGTGAGAAAACAAAACCAG[G>A]TCAGAATCTTTTATTGTCTTTTTTAAAAATGTAGCTAGACATAATAAAAGTAATTCTATA-3'